The following is an entry in ClinVar:

NM_017950.4(CCDC40):c.2832+20G>A

Gene: CCDC40 (coiled-coil domain 40 molecular ruler complex subunit; plus strand). Cytogenetic location: 17q25.3.
Variant type: single nucleotide variant.
Coding change: c.2832+20G>A on transcript NM_017950.4 (MANE Select); 20 bases into the intron after coding-DNA position 2832, G replaced by A.
Molecular consequence: intron variant.
Genome position (GRCh38, 1-based): chr17:80,089,904, G>A. VCF-style: chr17-80089904-G-A. GRCh37 (hg19) VCF-style: chr17-78063703-G-A.
Other names: c.2832+20G>A (NM_001243342.2).
Identifiers: ClinVar variation 260963 (VCV000260963.13), dbSNP rs78493584, ClinGen allele CA8814367.

ClinVar aggregate classification (germline): Benign/Likely benign. Review status: criteria provided, multiple submitters, no conflicts (2 of 4 stars). 4 submissions from 4 submitters: Benign (2); Likely benign (2). Last evaluated 2026-01-26.

Conditions:
Primary ciliary dyskinesia. Also called: Ciliary dyskinesia. Identifiers: Orphanet 244, MedGen C0008780, MONDO:0016575, HP:0012265.

Allele frequency attached by ClinVar (database versions not stated): 1000 Genomes Project 30x 0.00562; gnomAD exomes 0.00051 and 0.00123; ExAC 0.00149; gnomAD 0.00479 and 0.00516; 1000 Genomes Project 0.00519; TOPMed 0.00535; ESP Exome Variant Server 0.00546.

Submissions (4):

Labcorp Genetics (formerly Invitae), Labcorp
Classification: Benign for Primary ciliary dyskinesia. Last evaluated: 2026-01-26. Review status: criteria provided, single submitter. Criteria: Invitae Variant Classification Sherloc (09022015). Collection method: clinical testing. Allele origin: germline.

Blueprint Genetics
Classification: Likely benign. Last evaluated: 2024-05-02. Review status: criteria provided, single submitter. Criteria: ACMG Guidelines, 2015. Collection method: clinical testing. Allele origin: germline.

GeneDx
Classification: Likely benign. Last evaluated: 2020-12-05. Review status: criteria provided, single submitter. Criteria: GeneDx Variant Classification Process June 2021. Collection method: clinical testing. Allele origin: germline. Affected: yes.
Comment: See Variant Classification Assertion Criteria.

PreventionGenetics, part of Exact Sciences
Classification: Benign. Review status: criteria provided, single submitter. Criteria: ACMG Guidelines, 2015. Collection method: clinical testing. Allele origin: germline.